The following is an entry in ClinVar:

NM_001369268.1(ACAN):c.1551C>G (p.Tyr517Ter)

Gene: ACAN (aggrecan; plus strand). Cytogenetic location: 15q26.1.
Variant type: single nucleotide variant.
Coding change: c.1551C>G on transcript NM_001369268.1 (MANE Select); coding-DNA position 1551, C replaced by G.
Protein change: p.Tyr517Ter; replaces tyrosine 517 with a stop codon.
Molecular consequence: nonsense.
Genome position (GRCh38, 1-based): chr15:88,847,364, C>G. VCF-style: chr15-88847364-C-G. GRCh37 (hg19) VCF-style: chr15-89390595-C-G.
Other names: c.1551C>G, p.Tyr517Ter (NM_001135.4, NM_001411096.1, NM_001411097.1 and 1 more transcripts); c.1551C>G (NM_013227.3); short protein forms Y517*.
Identifiers: ClinVar variation 2122084 (VCV002122084.7), dbSNP rs765556817, ClinGen allele CA393710740.
Genomic context (GRCh38, chr15:88,847,364, plus strand): 5'-GCAGGCCTGCCTGCGCACGGGGGCGGTCATTGCCTCGCCGGAGCAGCTCCAGGCCGCCTA[C>G]GAAGCAGGCTATGAGCAGTGTGACGCCGGCTGGCTGCGGGACCAGACCGTCAGGTGAAGC-3'

ClinVar aggregate classification (germline): Pathogenic/Likely pathogenic. Review status: criteria provided, multiple submitters, no conflicts (2 of 4 stars). 3 submissions from 3 submitters: Pathogenic (2); Likely pathogenic (1). Last evaluated 2025-09-16.

Conditions:
Short stature and advanced bone age, with or without early-onset osteoarthritis and/or osteochondritis dissecans (SSOAOD). Identifiers: Orphanet 251262, MedGen C3665488, MONDO:0100462, OMIM 165800.

gnomAD v4.1: 1 of 1,592,670 alleles (0.000063%); highest among the groups gnomAD compares: Non-Finnish European, 0.000085%; no homozygotes.

Submissions (3):

Victorian Clinical Genetics Services, Murdoch Childrens Research Institute
Classification: Pathogenic for Short stature and advanced bone age, with or without early-onset osteoarthritis and/or osteochondritis dissecans. Last evaluated: 2025-09-16. Review status: criteria provided, single submitter. Criteria: ACMG Guidelines, 2015. Collection method: clinical testing. Allele origin: germline. Affected: yes.
Comment: This variant is classified as Pathogenic. Evidence in support of pathogenic classification: Variant is predicted to cause nonsense-mediated decay (NMD) and loss of protein (premature termination codon is located at least 54 nucleotides upstream of the final exon-exon junction); Variant is present in gnomAD <0.01 (v4: 1 heterozygote(s), 0 homozygote(s)); This variant has limited previous evidence of pathogenicity in unrelated individual(s). This variant has been classified as pathogenic/likely pathogenic by clinical laboratories in ClinVar, and has been reported in the literature as likely pathogenic in two siblings from a cohort with isolated growth hormone deficiency or idiopathic short stature (PMID: 34653508); Other NMD-predicted variant(s) comparable to the one identified in this case have very strong previous evidence for pathogenicity (DECIPHER, PMID: 38613222). Additional information: This variant is heterozygous; This gene is associated with both recessive and dominant disease (OMIM); Segregation evidence for this variant is inconclusive. This variant has been identified in two siblings; however, no further segregation testing in the family was performed (PMID: 34653508); No published functional evidence has been identified for this variant; Loss of function is a known mechanism of disease in this gene and is associated with autosomal dominant short stature and advanced bone age, with or without early-onset osteoarthritis and/or osteochondritis dissecans (MIM#165800) and autosomal recessive spondyloepimetaphyseal dysplasia, aggrecan type (MIM#612813); Variants in this gene are known to have variable expressivity. Interfamilial and intrafamilial variability have been described in the literature (PMIDs: 38613222, 28804204).

Labcorp Genetics (formerly Invitae), Labcorp
Classification: Pathogenic. Last evaluated: 2025-05-04. Review status: criteria provided, single submitter. Criteria: Invitae Variant Classification Sherloc (09022015). Collection method: clinical testing. Allele origin: germline.
Comment: This sequence change creates a premature translational stop signal (p.Tyr517*) in the ACAN gene. It is expected to result in an absent or disrupted protein product. Loss-of-function variants in ACAN are known to be pathogenic (PMID: 16080123, 24762113). This variant is not present in population databases (gnomAD no frequency). This variant has not been reported in the literature in individuals affected with ACAN-related conditions. ClinVar contains an entry for this variant (Variation ID: 2122084). For these reasons, this variant has been classified as Pathogenic.

Revvity Omics, Revvity
Classification: Likely pathogenic. Last evaluated: 2025-04-07. Review status: criteria provided, single submitter. Criteria: ACMG Guidelines, 2015. Collection method: clinical testing. Allele origin: germline.

Literature cited by the submitters: PubMed 28804204 (cited by Victorian Clinical Genetics Services, Murdoch Childrens Research Institute); PubMed 34653508 (cited by Victorian Clinical Genetics Services, Murdoch Childrens Research Institute); PubMed 38613222 (cited by Victorian Clinical Genetics Services, Murdoch Childrens Research Institute); PubMed 16080123 (cited by Labcorp Genetics (formerly Invitae), Labcorp); PubMed 24762113 (cited by Labcorp Genetics (formerly Invitae), Labcorp).